The following is an entry in ClinVar:

NR_003051.4(RMRP):n.47T>C

Gene: RMRP (RNA component of mitochondrial RNA processing endoribonuclease; minus strand). Cytogenetic location: 9p13.3.
Variant type: single nucleotide variant.
Genome position: GRCh38 VCF-style: chr9-35657973-A-G. GRCh37 (hg19) VCF-style: chr9-35657970-A-G.
Identifiers: ClinVar variation 652309 (VCV000652309.5), dbSNP rs529328233, ClinGen allele CA192745689.

ClinVar aggregate classification (germline): Uncertain significance. Review status: criteria provided, single submitter (1 of 4 stars). 2 submissions from 2 submitters: Uncertain significance (1). 1 of the submissions does not count toward it. Last evaluated 2022-06-27.

Conditions:
Anauxetic dysplasia. Identifiers: Orphanet 93347, MedGen C1846796, MONDO:0011773.
Metaphyseal chondrodysplasia, McKusick type (CHH). Also called: Cartilage-Hair Hypoplasia (CHH); Cartilage-hair hypoplasia. Identifiers: Orphanet 175, MedGen C0220748, MONDO:0009595, OMIM 250250.

Allele frequency attached by ClinVar (database versions not stated): TOPMed 0.00015; 1000 Genomes Project 30x 0.00016.
gnomAD v4.1: 60 of 700,454 alleles (0.0086%); highest among the groups gnomAD compares: Non-Finnish European, 0.014%; no homozygotes.

Submissions (2):

Labcorp Genetics (formerly Invitae), Labcorp
Classification: Uncertain significance for Anauxetic dysplasia. Last evaluated: 2022-06-27. Review status: criteria provided, single submitter. Criteria: Invitae Variant Classification Sherloc (09022015). Collection method: clinical testing. Allele origin: germline.
Comment: This variant occurs in the RMRP gene, which encodes an RNA molecule that does not result in a protein product. This variant is present in population databases (no rsID available, gnomAD 0.01%). This variant has not been reported in the literature in individuals affected with RMRP-related conditions. ClinVar contains an entry for this variant (Variation ID: 652309). Experimental studies and prediction algorithms are not available or were not evaluated, and the functional significance of this variant is currently unknown. In summary, the available evidence is currently insufficient to determine the role of this variant in disease. Therefore, it has been classified as a Variant of Uncertain Significance.

Natera, Inc.
Classification: Uncertain significance for Cartilage-hair hypoplasia. Last evaluated: 2020-01-06. Review status: no assertion criteria provided. Collection method: clinical testing. Allele origin: germline. Not counted in ClinVar's aggregate classification.